The following is an entry in ClinVar:

NM_000278.5(PAX2):c.211A>G (p.Arg71Gly)

Gene: PAX2 (paired box 2; plus strand). Cytogenetic location: 10q24.31.
Variant type: single nucleotide variant.
Coding change: c.211A>G on transcript NM_000278.5 (MANE Select); coding-DNA position 211, A replaced by G.
Protein change: p.Arg71Gly; replaces arginine 71 with glycine.
Molecular consequence: missense variant.
Genome position (GRCh38, 1-based): chr10:100,749,913, A>G. VCF-style: chr10-100749913-A-G. GRCh37 (hg19) VCF-style: chr10-102509670-A-G.
Other names: c.304A>G, p.Arg102Gly (NM_001304569.2); c.211A>G, p.Arg71Gly (NM_003987.5, NM_003988.5, NM_003989.5 and 1 more transcripts); short protein forms R102G, R71G.
Identifiers: ClinVar variation 1333615 (VCV001333615.3), dbSNP rs2133834027, ClinGen allele CA378257762.

ClinVar aggregate classification (germline): Likely pathogenic (1 of 4 stars; one submission).

Conditions:
Renal coloboma syndrome (PAPRS). Also called: PAPILLORENAL SYNDROME; COLOBOMA OF OPTIC NERVE WITH RENAL DISEASE; OPTIC COLOBOMA, VESICOURETERAL REFLUX, AND RENAL ANOMALIES; OPTIC NERVE COLOBOMA WITH RENAL DISEASE; RENAL-COLOBOMA SYNDROME WITH MACULAR ABNORMALITIES; PAPILLORENAL SYNDROME WITH MILD OCULAR ABNORMALITIES. Identifiers: Orphanet 1475, MedGen C1852759, MONDO:0007352, OMIM 120330.

Submission:

3billion
Classification: Likely pathogenic for Renal coloboma syndrome. Last evaluated: 2024-03-04. Review status: criteria provided, single submitter. Criteria: ACMG Guidelines, 2015. Collection method: clinical testing. Allele origin: germline. Affected: yes.
Comment: The variant is not observed in the gnomAD v2.1.1 dataset. Predicted Consequence/Location: The variant is located in a mutational hot spot and/or well-established functional domain in which established pathogenic variants have been reported (PMID: 22213154). In silico tool predictions suggest damaging effect of the variant on gene or gene product [REVEL: 0.98 (>=0.6, sensitivity 0.68 and specificity 0.92); 3Cnet: 0.98 (>=0.6, sensitivity 0.72 and precision 0.9)]. Same nucleotide change resulting in same amino acid change has been previously reported to be associated with PAX2 related disorder (PMID: 24429398).Different missense changes at the same codon (p.Arg71Lys, p.Arg71Met, p.Arg71Thr) have been reported to be associated with PAX2 related disorder (ClinVar ID: VCV000013805 /PMID: 15652857, 28566479, 32203253). Therefore, this variant is classified as Likely pathogenic according to the recommendation of ACMG/AMP guideline.

Literature cited by the submitters: PubMed 15652857; PubMed 22213154; PubMed 24429398.